The following is an entry in ClinVar:

ClinVar aggregate classification (germline): Uncertain significance. Review status: criteria provided, multiple submitters, no conflicts (2 of 4 stars). 7 submissions from 7 submitters: Uncertain significance (7). Last evaluated 2025-11-21.

Conditions:
Cardiovascular phenotype. Identifiers: MedGen CN230736.
Catecholaminergic polymorphic ventricular tachycardia (CVPT). Also called: Catecholamine-induced polymorphic ventricular tachycardia. Identifiers: Orphanet 3286, MedGen C5574922, MONDO:0017990.
Cardiomyopathy (CMYO). Also called: Cardiomyopathies. Identifiers: Orphanet 167848, MedGen C0878544, MONDO:0004994, HP:0001638. Inheritance: Various modes of inheritance.
Catecholaminergic polymorphic ventricular tachycardia 1. Also called: RYR2-Related Catecholaminergic Polymorphic Ventricular Tachycardia; VENTRICULAR TACHYCARDIA, CATECHOLAMINERGIC POLYMORPHIC, 1, WITH OR WITHOUT ATRIAL DYSFUNCTION AND/OR DILATED CARDIOMYOPATHY; VENTRICULAR TACHYCARDIA, STRESS-INDUCED POLYMORPHIC 1. Identifiers: Orphanet 3286, MedGen C1631597, MONDO:0011484, OMIM 604772.

Allele frequency attached by ClinVar (database versions not stated): ExAC 0.00001; gnomAD exomes 0.00002; TOPMed 0.00003.
gnomAD v4.1: 29 of 1,613,806 alleles (0.0018%); highest among the groups gnomAD compares: Admixed American, 0.005%; no homozygotes.

Submissions (7):

Labcorp Genetics (formerly Invitae), Labcorp
Classification: Uncertain significance for Catecholaminergic polymorphic ventricular tachycardia 1. Last evaluated: 2025-11-21. Review status: criteria provided, single submitter. Criteria: Invitae Variant Classification Sherloc (09022015). Collection method: clinical testing. Allele origin: germline.
Comment: This sequence change replaces glycine, which is neutral and non-polar, with serine, which is neutral and polar, at codon 3225 of the RYR2 protein (p.Gly3225Ser). This variant is present in population databases (rs780484631, gnomAD 0.006%). This missense change has been observed in individual(s) with unexplained sudden cardiac death (PMID: 27332903, 29181379). ClinVar contains an entry for this variant (Variation ID: 519478). Invitae Evidence Modeling of protein sequence and biophysical properties (such as structural, functional, and spatial information, amino acid conservation, physicochemical variation, residue mobility, and thermodynamic stability) has been performed for this missense variant. However, the output from this modeling did not meet the statistical confidence thresholds required to predict the impact of this variant on RYR2 protein function. In summary, the available evidence is currently insufficient to determine the role of this variant in disease. Therefore, it has been classified as a Variant of Uncertain Significance.

Molecular Diagnostic Laboratory for Inherited Cardiovascular Disease, Montreal Heart Institute
Classification: Uncertain significance for Cardiovascular phenotype. Last evaluated: 2025-04-09. Review status: criteria provided, single submitter. Criteria: ACMG Guidelines, 2015. Collection method: clinical testing. Allele origin: germline. Affected: yes.
Comment: PM2, PP2

Women's Health and Genetics/Laboratory Corporation of America, LabCorp
Classification: Uncertain significance. Last evaluated: 2024-11-19. Review status: criteria provided, single submitter. Criteria: LabCorp Variant Classification Summary - May 2015. Collection method: clinical testing. Allele origin: germline.
Comment: Variant summary: RYR2 c.9673G>A (p.Gly3225Ser) results in a non-conservative amino acid change located in the MIR domain (IPR016093) of the encoded protein sequence. Four of five in-silico tools predict a damaging effect of the variant on protein function. The variant allele was found at a frequency of 1.6e-05 in 249094 control chromosomes. The available data on variant occurrences in the general population are insufficient to allow any conclusion about variant significance. c.9673G>A has been reported in the literature in individuals with Sudden Cardiac death (Bagnall_2016, Rueda_2017). These report(s) do not provide unequivocal conclusions about association of the variant with Catecholaminergic Polymorphic Ventricular Tachycardia. To our knowledge, no experimental evidence demonstrating an impact on protein function has been reported. The following publications have been ascertained in the context of this evaluation (PMID: 27332903, 29181379). ClinVar contains an entry for this variant (Variation ID: 519478). Based on the evidence outlined above, the variant was classified as uncertain significance.

Ambry Genetics
Classification: Uncertain significance for Cardiovascular phenotype. Last evaluated: 2024-10-01. Review status: criteria provided, single submitter. Criteria: Ambry Variant Classification Scheme 2023. Collection method: clinical testing. Allele origin: germline.
Comment: The p.G3225S variant (also known as c.9673G>A), located in coding exon 68 of the RYR2 gene, results from a G to A substitution at nucleotide position 9673. The glycine at codon 3225 is replaced by serine, an amino acid with similar properties. This alteration was seen in one individual from a sudden cardiac death cohort, who also carried a missense alteration in MYBPC3 (Bagnall RD et al. N. Engl. J. Med., 2016 Jun;374:2441-52). This amino acid position is highly conserved in available vertebrate species. In addition, this alteration is predicted to be deleterious by in silico analysis. Since supporting evidence is limited at this time, the clinical significance of this alteration remains unclear.

All of Us Research Program, National Institutes of Health
Classification: Uncertain significance for Catecholaminergic polymorphic ventricular tachycardia. Last evaluated: 2024-07-29. Review status: criteria provided, single submitter. Criteria: ACMG Guidelines, 2015. Collection method: clinical testing. Allele origin: germline. Inheritance: Autosomal dominant inheritance. Observed: 6 variant alleles, 6 heterozygotes.
Comment: This missense variant replaces glycine with serine at codon 3225 of the RYR2 protein. Computational prediction is inconclusive regarding the impact of this variant on protein structure and function (internally defined REVEL score threshold 0.5 < inconclusive < 0.7, PMID: 27666373). To our knowledge, functional studies have not been reported for this variant. This variant has been reported in two individuals affected with unexplained sudden cardiac death (PMID: 29181379, 27332903). This variant has been identified in 4/249094 chromosomes in the general population by the Genome Aggregation Database (gnomAD). The available evidence is insufficient to determine the role of this variant in disease conclusively. Therefore, this variant is classified as a Variant of Uncertain Significance.

This study involves interpretation of variants in research participants for the purpose of population health screening. Participant phenotype was not available at the time of variant classification. Additional details can be found in publication PMID: 35346344, PMCID: PMC8962531

Color Diagnostics, LLC DBA Color Health
Classification: Uncertain significance for Cardiomyopathy. Last evaluated: 2023-10-01. Review status: criteria provided, single submitter. Criteria: ACMG Guidelines, 2015. Collection method: clinical testing. Allele origin: germline.
Comment: This missense variant replaces glycine with serine at codon 3225 of the RYR2 protein. Computational prediction is inconclusive regarding the impact of this variant on protein structure and function (internally defined REVEL score threshold 0.5 < inconclusive < 0.7, PMID: 27666373). To our knowledge, functional studies have not been reported for this variant. This variant has been reported in two individuals affected with unexplained sudden cardiac death (PMID: 29181379, 27332903). This variant has been identified in 4/249094 chromosomes in the general population by the Genome Aggregation Database (gnomAD). The available evidence is insufficient to determine the role of this variant in disease conclusively. Therefore, this variant is classified as a Variant of Uncertain Significance.

GeneDx
Classification: Uncertain significance. Last evaluated: 2022-03-29. Review status: criteria provided, single submitter. Criteria: GeneDx Variant Classification Process June 2021. Collection method: clinical testing. Allele origin: germline. Affected: yes.
Comment: Has not been previously published as pathogenic or benign to our knowledge; Not observed at a significant frequency in large population cohorts (gnomAD); Not located in one of the three hot-spot regions of the RYR2 gene, where the majority of pathogenic missense variants occur (Medeiros-Domingo et al., 2009); In silico analysis supports that this missense variant has a deleterious effect on protein structure/function

Literature cited by the submitters: PubMed 27332903 (cited by 5 submitters); PubMed 29181379 (cited by 4 submitters).

NM_001035.3(RYR2):c.9673G>A (p.Gly3225Ser)

Gene: RYR2 (ryanodine receptor 2; plus strand). Cytogenetic location: 1q43.
Variant type: single nucleotide variant.
Coding change: c.9673G>A on transcript NM_001035.3 (MANE Select); coding-DNA position 9673, G replaced by A.
Protein change: p.Gly3225Ser; replaces glycine 3225 with serine.
Molecular consequence: missense variant.
Genome position (GRCh38, 1-based): chr1:237,707,041, G>A. VCF-style: chr1-237707041-G-A. GRCh37 (hg19) VCF-style: chr1-237870341-G-A.
Other names: c.9673G>A, p.Gly3225Ser (LRG_402t1); short protein forms G3225S.
Identifiers: ClinVar variation 519478 (VCV000519478.23), dbSNP rs780484631, ClinGen allele CA087942.